The following is an entry in ClinVar:

ClinVar aggregate classification (germline): Uncertain significance (1 of 4 stars; one submission).

Conditions:
Cardiovascular phenotype. Identifiers: MedGen CN230736.

Submission:

Ambry Genetics
Classification: Uncertain significance for Cardiovascular phenotype. Last evaluated: 2024-01-11. Review status: criteria provided, single submitter. Criteria: Ambry Variant Classification Scheme 2023. Collection method: clinical testing. Allele origin: germline.
Comment: The p.N480S variant (also known as c.1439A>G), located in coding exon 8 of the AKAP9 gene, results from an A to G substitution at nucleotide position 1439. The asparagine at codon 480 is replaced by serine, an amino acid with highly similar properties. This amino acid position is conserved. In addition, this alteration is predicted to be tolerated by in silico analysis. Since supporting evidence is limited at this time, the clinical significance of this alteration remains unclear.

NM_005751.5(AKAP9):c.1439A>G (p.Asn480Ser)

Gene: AKAP9 (A-kinase anchoring protein 9; plus strand). Cytogenetic location: 7q21.2.
Variant type: single nucleotide variant.
Coding change: c.1439A>G on transcript NM_005751.5 (MANE Select); coding-DNA position 1439, A replaced by G.
Protein change: p.Asn480Ser; replaces asparagine 480 with serine.
Molecular consequence: missense variant.
Genome position (GRCh38, 1-based): chr7:92,001,356, A>G. VCF-style: chr7-92001356-A-G. GRCh37 (hg19) VCF-style: chr7-91630670-A-G.
Other names: c.1439A>G, p.Asn480Ser (NM_147185.3); short protein forms N480S.
Identifiers: ClinVar variation 3225017 (VCV003225017.1), dbSNP rs2484689985, ClinGen allele CA368121791.
Genomic context (GRCh38, chr7:92,001,356, plus strand): 5'-TGGAGGAAATGAAAACACGGCATAAGGGAGAAATGGAGAATGCTTTAAGGTCATATTCAA[A>G]TATTACAGTTAATGAAGATCAGATAAAGTTAATGAATGTGGCAATAAATGAACTGAATAT-3'
Protein context (NP_005742.4, residues 470-490): EMENALRSYS[Asn480Ser]ITVNEDQIKL